The following is an entry in ClinVar:

ClinVar aggregate classification (germline): Likely pathogenic (1 of 4 stars; one submission).

Conditions:
Developmental delay with variable intellectual impairment and behavioral abnormalities. Identifiers: MedGen C5193092, MONDO:0032745, OMIM 618430.

Submission:

MVZ Medizinische Genetik Mainz
Classification: Likely pathogenic for Developmental delay with variable intellectual impairment and behavioral abnormalities. Last evaluated: 2023-11-10. Review status: criteria provided, single submitter. Criteria: UK Practice Guidelines For Variant Classification V4 01 2020. Collection method: clinical testing. Allele origin: germline. Inheritance: Autosomal dominant inheritance. Affected: yes. Observed: 1 variant allele.
Comment: ACMG Criteria: PVS1,PM2_SUP

NM_001378418.1(TCF20):c.3553C>T (p.Gln1185Ter)

Gene: TCF20 (transcription factor 20; minus strand). Cytogenetic location: 22q13.2.
Variant type: single nucleotide variant.
Coding change: c.3553C>T on transcript NM_001378418.1 (MANE Select); coding-DNA position 3553, C replaced by T.
Protein change: p.Gln1185Ter; replaces glutamine 1185 with a stop codon.
Molecular consequence: nonsense.
Genome position (GRCh38, 1-based): chr22:42,211,753, G>A on the plus strand (C>T on the coding strand, the complement: TCF20 is on the minus strand). VCF-style: chr22-42211753-G-A. GRCh37 (hg19) VCF-style: chr22-42607759-G-A.
Other names: c.3553C>T, p.Gln1185Ter (NM_005650.4, NM_181492.3); short protein forms Q1185*.
Identifiers: ClinVar variation 3068389 (VCV003068389.1), dbSNP rs756816772, ClinGen allele CA411786236.
Genomic context (GRCh38, chr22:42,211,753, plus strand): 5'-CTGGAGGACCGCTGCTTTTGGCTGGAGAAGTTTGCCGAGAAAGATCCCAACAGGATTCTT[G>A]TAACTTCTGGGAGCCATGCTTTAATTCCATGCCCTTGTTAGGCAGACCATCACTAGACAT-3'